The following is an entry in ClinVar:

NM_173477.5(USH1G):c.1270C>G (p.Leu424Val)

Genes: USH1G (USH1 protein network component sans; minus strand), LOC130061627 (ATAC-STARR-seq lymphoblastoid active region 12722; plus strand). Cytogenetic location: 17q25.1.
Variant type: single nucleotide variant.
Coding change: c.1270C>G on transcript NM_173477.5 (MANE Select); coding-DNA position 1270, C replaced by G.
Protein change: p.Leu424Val; replaces leucine 424 with valine.
Molecular consequence: missense variant.
Genome position (GRCh38, 1-based): chr17:74,919,566, G>C on the plus strand (C>G on the coding strand, the complement: USH1G is on the minus strand). VCF-style: chr17-74919566-G-C. GRCh37 (hg19) VCF-style: chr17-72915661-G-C.
Other names: c.961C>G, p.Leu321Val (NM_001282489.3); c.1270C>G (NM_173477.2); short protein forms L321V, L424V.
Identifiers: ClinVar variation 1007224 (VCV001007224.7), dbSNP rs372360601, ClinGen allele CA293983465.

ClinVar aggregate classification (germline): Uncertain significance. Review status: criteria provided, multiple submitters, no conflicts (2 of 4 stars). 2 submissions from 2 submitters: Uncertain significance (2). Last evaluated 2024-12-25.

Conditions:
Inborn genetic diseases. Identifiers: MedGen C0950123, MeSH D030342.

Allele frequency attached by ClinVar (database versions not stated): gnomAD exomes below 0.00001 and 0.00001; gnomAD 0.00001; TOPMed 0.00002; ESP Exome Variant Server 0.00008; 1000 Genomes Project 30x 0.00016; 1000 Genomes Project 0.00020.

Submissions (2):

Ambry Genetics
Classification: Uncertain significance for Inborn genetic diseases. Last evaluated: 2024-12-25. Review status: criteria provided, single submitter. Criteria: Ambry Variant Classification Scheme 2023. Collection method: clinical testing. Allele origin: germline.

Labcorp Genetics (formerly Invitae), Labcorp
Classification: Uncertain significance. Last evaluated: 2022-03-09. Review status: criteria provided, single submitter. Criteria: Invitae Variant Classification Sherloc (09022015). Collection method: clinical testing. Allele origin: germline.
Comment: This sequence change replaces leucine, which is neutral and non-polar, with valine, which is neutral and non-polar, at codon 424 of the USH1G protein (p.Leu424Val). This variant is present in population databases (rs372360601, gnomAD 0.0009%). This variant has not been reported in the literature in individuals affected with USH1G-related conditions. ClinVar contains an entry for this variant (Variation ID: 1007224). Algorithms developed to predict the effect of missense changes on protein structure and function are either unavailable or do not agree on the potential impact of this missense change (SIFT: "Not Available"; PolyPhen-2: "Benign"; Align-GVGD: "Not Available"). In summary, the available evidence is currently insufficient to determine the role of this variant in disease. Therefore, it has been classified as a Variant of Uncertain Significance.